The following is an entry in ClinVar:

NM_000383.4(AIRE):c.1267G>T (p.Glu423Ter)

Gene: AIRE (autoimmune regulator; plus strand). Cytogenetic location: 21q22.3.
Variant type: single nucleotide variant.
Coding change: c.1267G>T on transcript NM_000383.4 (MANE Select); coding-DNA position 1267, G replaced by T.
Protein change: p.Glu423Ter; replaces glutamic acid 423 with a stop codon.
Molecular consequence: nonsense.
Genome position (GRCh38, 1-based): chr21:44,293,164, G>T. VCF-style: chr21-44293164-G-T. GRCh37 (hg19) VCF-style: chr21-45713047-G-T.
Other names: short protein forms E423*.
Identifiers: ClinVar variation 1878377 (VCV001878377.3), dbSNP rs2517884896, ClinGen allele CA410425566.

ClinVar aggregate classification (germline): Likely pathogenic. Review status: criteria provided, multiple submitters, no conflicts (2 of 4 stars). 2 submissions from 2 submitters: Likely pathogenic (2). Last evaluated 2025-05-13.

Conditions:
Polyglandular autoimmune syndrome, type 1 (APS1). Also called: AUTOIMMUNE POLYENDOCRINE SYNDROME, TYPE I, WITH OR WITHOUT REVERSIBLE METAPHYSEAL DYSPLASIA; PGA I; APS I; HYPOADRENOCORTICISM WITH HYPOPARATHYROIDISM AND SUPERFICIAL MONILIASIS; Autoimmune polyendocrine syndrome type 1; Autoimmune polyendocrinopathy syndrome, type I. Identifiers: Orphanet 3453, MedGen C0085859, MONDO:0009411, OMIM 240300.

Submissions (2):

Natera, Inc.
Classification: Likely pathogenic for Polyglandular autoimmune syndrome type 1. Last evaluated: 2025-05-13. Review status: criteria provided, single submitter. Criteria: Natera Variant Classification Schema (03/2026). Collection method: clinical testing. Allele origin: germline.
Comment: The c.1267G>T variant in AIRE is a nonsense variant predicted to introduce a stop codon at amino acid 423. This variant is expected to result in nonsense mediated decay, truncation, or a dysfunctional protein product. This variant is rare in the general population with a frequency below the threshold expected for the associated phenotype(s). Given the available evidence, this variant is classified as Likely Pathogenic.

Women's Health and Genetics/Laboratory Corporation of America, LabCorp
Classification: Likely pathogenic for Polyglandular autoimmune syndrome, type 1. Last evaluated: 2022-12-24. Review status: criteria provided, single submitter. Criteria: LabCorp Variant Classification Summary - May 2015. Collection method: clinical testing. Allele origin: germline.
Comment: Variant summary: AIRE c.1267G>T (p.Glu423X) results in a premature termination codon, predicted to cause a truncation of the encoded protein or absence of the protein due to nonsense mediated decay, which are commonly known mechanisms for disease. Truncations downstream of this position have been classified as pathogenic within ClinVar (e.g. c.1295_1296insA [p.Arg433fs], c.1480_1483del [p.Arg494fs]). The variant was absent in 182240 control chromosomes (gnomAD). To our knowledge, no occurrence of c.1267G>T in individuals affected with Autoimmune Polyglandular Syndrome Type 1 and no experimental evidence demonstrating its impact on protein function have been reported. No clinical diagnostic laboratories have submitted clinical-significance assessments for this variant to ClinVar after 2014. Based on the evidence outlined above, the variant was classified as likely pathogenic.